The following is an entry in ClinVar:

NM_001367624.2(ZNF469):c.2753G>A (p.Cys918Tyr)

Gene: ZNF469 (zinc finger protein 469; plus strand). Cytogenetic location: 16q24.2.
Variant type: single nucleotide variant.
Coding change: c.2753G>A on transcript NM_001367624.2 (MANE Select); coding-DNA position 2753, G replaced by A.
Protein change: p.Cys918Tyr; replaces cysteine 918 with tyrosine.
Molecular consequence: missense variant.
Genome position (GRCh38, 1-based): chr16:88,430,223, G>A. VCF-style: chr16-88430223-G-A. GRCh37 (hg19) VCF-style: chr16-88496631-G-A.
Other names: short protein forms C918Y.
Identifiers: ClinVar variation 1367444 (VCV001367444.5), dbSNP rs1450037627, ClinGen allele CA397075247.

ClinVar aggregate classification (germline): Uncertain significance (1 of 4 stars; one submission).

Allele frequency attached by ClinVar (database versions not stated): gnomAD 0.00001; gnomAD exomes 0.00002; TOPMed 0.00002.
gnomAD v4.1: 7 of 1,539,238 alleles (0.00045%); highest among the groups gnomAD compares: East Asian, 0.012%; no homozygotes.

Submission:

Labcorp Genetics (formerly Invitae), Labcorp
Classification: Uncertain significance. Last evaluated: 2022-07-18. Review status: criteria provided, single submitter. Criteria: Invitae Variant Classification Sherloc (09022015). Collection method: clinical testing. Allele origin: germline.
Comment: This sequence change replaces cysteine, which is neutral and slightly polar, with tyrosine, which is neutral and polar, at codon 918 of the ZNF469 protein (p.Cys918Tyr). This variant is present in population databases (no rsID available, gnomAD 0.03%). This variant has not been reported in the literature in individuals affected with ZNF469-related conditions. ClinVar contains an entry for this variant (Variation ID: 1367444). Algorithms developed to predict the effect of missense changes on protein structure and function output the following: SIFT: "Tolerated"; PolyPhen-2: "Benign"; Align-GVGD: "Class C0". The tyrosine amino acid residue is found in multiple mammalian species, which suggests that this missense change does not adversely affect protein function. In summary, the available evidence is currently insufficient to determine the role of this variant in disease. Therefore, it has been classified as a Variant of Uncertain Significance.